The following is an entry in ClinVar:

NM_001127644.2(GABRA1):c.503T>C (p.Met168Thr)

Gene: GABRA1 (gamma-aminobutyric acid type A receptor subunit alpha1; plus strand). Cytogenetic location: 5q34.
Variant type: single nucleotide variant.
Coding change: c.503T>C on transcript NM_001127644.2 (MANE Select); coding-DNA position 503, T replaced by C.
Protein change: p.Met168Thr; replaces methionine 168 with threonine.
Molecular consequence: missense variant.
Genome position (GRCh38, 1-based): chr5:161,875,586, T>C. VCF-style: chr5-161875586-T-C. GRCh37 (hg19) VCF-style: chr5-161302592-T-C.
Other names: c.503T>C, p.Met168Thr (NM_000806.5, NM_001127643.2, NM_001127645.2 and 1 more transcripts); short protein forms M168T.
Identifiers: ClinVar variation 3753871 (VCV003753871.2).

ClinVar aggregate classification (germline): Uncertain significance (1 of 4 stars; one submission).

Conditions:
Epilepsy, idiopathic generalized, susceptibility to, 13. Also called: EPILEPSY, JUVENILE MYOCLONIC, SUSCEPTIBILITY TO, 5. Identifiers: Orphanet 307, Orphanet 64280, MedGen C4013473, MONDO:0012627, OMIM 611136.
Epilepsy, childhood absence 4 (ECA4). Also called: EPILEPSY, CHILDHOOD ABSENCE, SUSCEPTIBILITY TO, 4. Identifiers: Orphanet 307, MedGen C1970160.
Idiopathic generalized epilepsy. Also called: EIG; Generalised epilepsy. Identifiers: MedGen C0270850, MONDO:0005579, OMIM 600669.

Submission:

Labcorp Genetics (formerly Invitae), Labcorp
Classification: Uncertain significance for Epilepsy, childhood absence 4; Epilepsy, idiopathic generalized, susceptibility to, 13; Idiopathic generalized epilepsy. Last evaluated: 2024-12-10. Review status: criteria provided, single submitter. Criteria: Invitae Variant Classification Sherloc (09022015). Collection method: clinical testing. Allele origin: germline.
Comment: This sequence change replaces methionine, which is neutral and non-polar, with threonine, which is neutral and polar, at codon 168 of the GABRA1 protein (p.Met168Thr). This variant is not present in population databases (gnomAD no frequency). This variant has not been reported in the literature in individuals affected with GABRA1-related conditions. Invitae Evidence Modeling of protein sequence and biophysical properties (such as structural, functional, and spatial information, amino acid conservation, physicochemical variation, residue mobility, and thermodynamic stability) indicates that this missense variant is expected to disrupt GABRA1 protein function with a positive predictive value of 95%. In summary, the available evidence is currently insufficient to determine the role of this variant in disease. Therefore, it has been classified as a Variant of Uncertain Significance.